The following is an entry in ClinVar:

ClinVar aggregate classification (germline): Uncertain significance. Review status: criteria provided, multiple submitters, no conflicts (2 of 4 stars). 3 submissions from 3 submitters: Uncertain significance (3). Last evaluated 2025-07-17.

Conditions:
Hereditary diffuse gastric adenocarcinoma (HDGC). Also called: DIFFUSE GASTRIC AND LOBULAR BREAST CANCER SYNDROME. Identifiers: Orphanet 26106, MedGen C1708349, MONDO:0007648, OMIM 137215.
Hereditary cancer-predisposing syndrome. Also called: Neoplastic Syndromes, Hereditary; Hereditary Cancer Syndrome; Tumor predisposition; Hereditary neoplastic syndrome. Identifiers: Orphanet 140162, MedGen C0027672, MeSH D009386, MONDO:0015356.

Submissions (3):

Ambry Genetics
Classification: Uncertain significance for Hereditary cancer-predisposing syndrome. Last evaluated: 2025-07-17. Review status: criteria provided, single submitter. Criteria: Ambry Variant Classification Scheme 2023. Collection method: clinical testing. Allele origin: germline.
Comment: The p.E551Q variant (also known as c.1651G>C), located in coding exon 11 of the CDH1 gene, results from a G to C substitution at nucleotide position 1651. The glutamic acid at codon 551 is replaced by glutamine, an amino acid with highly similar properties. This alteration was identified in a Chinese cohort of individuals with hereditary diffuse gastric cancer (HDGC) (Pan Z et al. J Cancer Res Clin Oncol, 2022 Aug;148:2145-2151). This amino acid position is highly conserved in available vertebrate species. In addition, this alteration is predicted to be deleterious by in silico analysis. Since supporting evidence is limited at this time, the clinical significance of this alteration remains unclear.

Labcorp Genetics (formerly Invitae), Labcorp
Classification: Uncertain significance for Hereditary diffuse gastric adenocarcinoma. Last evaluated: 2022-03-19. Review status: criteria provided, single submitter. Criteria: Invitae Variant Classification Sherloc (09022015). Collection method: clinical testing. Allele origin: germline.
Comment: This sequence change replaces glutamic acid, which is acidic and polar, with glutamine, which is neutral and polar, at codon 551 of the CDH1 protein (p.Glu551Gln). This variant is not present in population databases (gnomAD no frequency). This variant has not been reported in the literature in individuals affected with CDH1-related conditions. ClinVar contains an entry for this variant (Variation ID: 801139). Algorithms developed to predict the effect of missense changes on protein structure and function (SIFT, PolyPhen-2, Align-GVGD) all suggest that this variant is likely to be disruptive. In summary, the available evidence is currently insufficient to determine the role of this variant in disease. Therefore, it has been classified as a Variant of Uncertain Significance.

Quest Diagnostics Nichols Institute San Juan Capistrano
Classification: Uncertain significance. Last evaluated: 2019-07-01. Review status: criteria provided, single submitter. Criteria: Quest Diagnostics criteria. Collection method: clinical testing. Allele origin: germline.

Literature cited by the submitters: PubMed 34537906 (cited by Ambry Genetics).

NM_004360.5(CDH1):c.1651G>C (p.Glu551Gln)

Gene: CDH1 (cadherin 1; plus strand). Cytogenetic location: 16q22.1.
Variant type: single nucleotide variant.
Coding change: c.1651G>C on transcript NM_004360.5 (MANE Select); coding-DNA position 1651, G replaced by C.
Protein change: p.Glu551Gln; replaces glutamic acid 551 with glutamine.
Molecular consequence: missense variant. On other transcripts: intron variant (1).
Genome position (GRCh38, 1-based): chr16:68,819,365, G>C. VCF-style: chr16-68819365-G-C. GRCh37 (hg19) VCF-style: chr16-68853268-G-C.
Other names: c.1651G>C (NM_004360.3); c.1468G>C, p.Glu490Gln (NM_001317184.2); c.103G>C, p.Glu35Gln (NM_001317185.2); c.-254-2636G>C (NM_001317186.2); short protein forms E490Q, E35Q, E551Q.
Identifiers: ClinVar variation 801139 (VCV000801139.9), dbSNP rs1596960532, ClinGen allele CA396465225.